The following is an entry in ClinVar:

NM_001042492.3(NF1):c.3084C>A (p.Asp1028Glu)

Gene: NF1 (neurofibromin 1; plus strand). Cytogenetic location: 17q11.2.
Variant type: single nucleotide variant.
Coding change: c.3084C>A on transcript NM_001042492.3 (MANE Select); coding-DNA position 3084, C replaced by A.
Protein change: p.Asp1028Glu; replaces aspartic acid 1028 with glutamic acid.
Molecular consequence: missense variant.
Genome position (GRCh38, 1-based): chr17:31,230,353, C>A. VCF-style: chr17-31230353-C-A. GRCh37 (hg19) VCF-style: chr17-29557371-C-A.
Other names: c.3084C>A, p.Asp1028Glu (NM_000267.4); short protein forms D1028E.
Identifiers: ClinVar variation 1727390 (VCV001727390.2), dbSNP rs1235103530, ClinGen allele CA398987540.
Genomic context (GRCh38, chr17:31,230,353, plus strand): 5'-AATTCAAATAAAAACGAAACTGTGTCAATTAGTTGAAGTAATGATGGCAAGGAGAGATGA[C>A]CTCTCATTTTGCCAAGAGATGAAATTTAGGTGAGTTCTCAAAAGAGCAATGTAGGGTCTT-3'
Protein context (NP_001035957.1, residues 1018-1038): LVEVMMARRD[Asp1028Glu]LSFCQEMKFR

ClinVar aggregate classification (germline): Uncertain significance (1 of 4 stars; one submission).

Conditions:
Cardiovascular phenotype. Identifiers: MedGen CN230736.
Hereditary cancer-predisposing syndrome. Also called: Tumor predisposition; Neoplastic Syndromes, Hereditary; Hereditary Cancer Syndrome; Hereditary neoplastic syndrome. Identifiers: Orphanet 140162, MedGen C0027672, MeSH D009386, MONDO:0015356.

Submission:

Ambry Genetics
Classification: Uncertain significance for Cardiovascular phenotype; Hereditary cancer-predisposing syndrome. Last evaluated: 2020-08-14. Review status: criteria provided, single submitter. Criteria: Ambry Variant Classification Scheme 2023. Collection method: clinical testing. Allele origin: germline.
Comment: The p.D1028E variant (also known as c.3084C>A), located in coding exon 23 of the NF1 gene, results from a C to A substitution at nucleotide position 3084. The aspartic acid at codon 1028 is replaced by glutamic acid, an amino acid with highly similar properties. This amino acid position is highly conserved in available vertebrate species. In addition, this alteration is predicted to be tolerated by in silico analysis. Since supporting evidence is limited at this time, the clinical significance of this alteration remains unclear.